The following is an entry in ClinVar:

NM_018127.7(ELAC2):c.226G>A (p.Val76Ile)

Gene: ELAC2 (elaC ribonuclease Z 2; minus strand). Cytogenetic location: 17p12.
Variant type: single nucleotide variant.
Coding change: c.226G>A on transcript NM_018127.7 (MANE Select); coding-DNA position 226, G replaced by A.
Protein change: p.Val76Ile; replaces valine 76 with isoleucine.
Molecular consequence: missense variant.
Genome position (GRCh38, 1-based): chr17:13,017,722, C>T on the plus strand (G>A on the coding strand, the complement: ELAC2 is on the minus strand). VCF-style: chr17-13017722-C-T. GRCh37 (hg19) VCF-style: chr17-12921039-C-T.
Other names: c.226G>A, p.Val76Ile (NM_001165962.2, NM_173717.2); short protein forms V76I.
Identifiers: ClinVar variation 969667 (VCV000969667.4), dbSNP rs377073548, ClinGen allele CA8401803.

ClinVar aggregate classification (germline): Uncertain significance (1 of 4 stars; one submission).

Conditions:
Combined oxidative phosphorylation defect type 17. Also called: Combined oxidative phosphorylation deficiency 17. Identifiers: Orphanet 369913, MedGen C3809526, MONDO:0014190, OMIM 615440.

Allele frequency attached by ClinVar (database versions not stated): gnomAD 0.00001 and 0.00002; TOPMed 0.00001; ESP Exome Variant Server 0.00008.

Submission:

Labcorp Genetics (formerly Invitae), Labcorp
Classification: Uncertain significance for Combined oxidative phosphorylation defect type 17. Last evaluated: 2022-03-20. Review status: criteria provided, single submitter. Criteria: Invitae Variant Classification Sherloc (09022015). Collection method: clinical testing. Allele origin: germline.
Comment: In summary, the available evidence is currently insufficient to determine the role of this variant in disease. Therefore, it has been classified as a Variant of Uncertain Significance. Algorithms developed to predict the effect of missense changes on protein structure and function are either unavailable or do not agree on the potential impact of this missense change (SIFT: "Tolerated"; PolyPhen-2: "Probably Damaging"; Align-GVGD: "Class C0"). ClinVar contains an entry for this variant (Variation ID: 969667). This variant has not been reported in the literature in individuals affected with ELAC2-related conditions. This variant is present in population databases (rs377073548, gnomAD 0.002%). This sequence change replaces valine, which is neutral and non-polar, with isoleucine, which is neutral and non-polar, at codon 76 of the ELAC2 protein (p.Val76Ile).